The following is an entry in ClinVar:

NM_001100.4(ACTA1):c.455-53A>C

Gene: ACTA1 (actin alpha 1, skeletal muscle; minus strand). Cytogenetic location: 1q42.13.
Variant type: single nucleotide variant.
Coding change: c.455-53A>C on transcript NM_001100.4 (MANE Select); 53 bases into the intron before coding-DNA position 455, A replaced by C.
Molecular consequence: intron variant.
Genome position (GRCh38, 1-based): chr1:229,432,484, T>G on the plus strand (A>C on the coding strand, the complement: ACTA1 is on the minus strand). VCF-style: chr1-229432484-T-G. GRCh37 (hg19) VCF-style: chr1-229568231-T-G.
Identifiers: ClinVar variation 676564 (VCV000676564.5), dbSNP rs527621, ClinGen allele CA38816000.

ClinVar aggregate classification (germline): Benign. Review status: criteria provided, multiple submitters, no conflicts (2 of 4 stars). 5 submissions from 3 submitters: Benign (5). Last evaluated 2021-07-14.

Conditions:
Actin accumulation myopathy (CMYO2A). Also called: Myopathy, actin, congenital, with cores; Nemaline myopathy 3, with intranuclear rods; Nemaline myopathy type 3; Myopathy, actin, congenital, with excess of thin myofilaments; CONGENITAL MYOPATHY 2A, TYPICAL, AUTOSOMAL DOMINANT. Identifiers: Orphanet 98904, MedGen C3711389, MONDO:0008070, OMIM 161800.
Congenital myopathy with fiber type disproportion. Also called: Congenital fiber-type disproportion myopathy; Congenital fiber-type disproportion. Identifiers: Orphanet 2020, MedGen C0546264, MONDO:0009711. Inheritance: all.
Progressive scapulohumeroperoneal distal myopathy. Also called: Myopathy, scapulohumeroperoneal. Identifiers: Orphanet 447977, MedGen C4225181, MONDO:0014800, OMIM 616852.

Allele frequency attached by ClinVar (database versions not stated): gnomAD 0.99845 and 0.99850; TOPMed 0.99862; gnomAD exomes 0.99884; 1000 Genomes Project 0.99900; 1000 Genomes Project 30x 0.99906.

Submissions (5):

Genome-Nilou Lab
Classification: Benign for Progressive scapulohumeroperoneal distal myopathy. Last evaluated: 2021-07-14. Review status: criteria provided, single submitter. Criteria: ACMG Guidelines, 2015. Collection method: clinical testing. Allele origin: germline. Affected: no.

Genome-Nilou Lab
Classification: Benign for Actin accumulation myopathy. Last evaluated: 2021-07-14. Review status: criteria provided, single submitter. Criteria: ACMG Guidelines, 2015. Collection method: clinical testing. Allele origin: germline. Affected: no.

Genome-Nilou Lab
Classification: Benign for Congenital myopathy 4A, autosomal dominant. Last evaluated: 2021-07-14. Review status: criteria provided, single submitter. Criteria: ACMG Guidelines, 2015. Collection method: clinical testing. Allele origin: germline. Affected: no.

GeneDx
Classification: Benign. Last evaluated: 2018-06-14. Review status: criteria provided, single submitter. Criteria: GeneDx Variant Classification (06012015). Collection method: clinical testing. Allele origin: germline. Affected: yes.
Comment: This variant is considered likely benign or benign based on one or more of the following criteria: it is a conservative change, it occurs at a poorly conserved position in the protein, it is predicted to be benign by multiple in silico algorithms, and/or has population frequency not consistent with disease.

Breakthrough Genomics
Classification: Benign. Review status: criteria provided, single submitter. Criteria: ACMG Guidelines, 2015. Collection method: not provided. Allele origin: germline. Inheritance: Autosomal recessive inheritance. Affected: yes.